The following is an entry in ClinVar:

ClinVar aggregate classification (germline): Uncertain significance. Review status: criteria provided, multiple submitters, no conflicts (2 of 4 stars). 2 submissions from 2 submitters: Uncertain significance (2). Last evaluated 2024-10-30.

Conditions:
Perrault syndrome. Also called: Gonadal dysgenesis with auditory dysfunction, autosomal recessive inheritance. Identifiers: Orphanet 2855, MedGen C0685838, MONDO:0017312.
Bifunctional peroxisomal enzyme deficiency (DBIF). Also called: DBP DEFICIENCY; PBFE DEFICIENCY; D-bifunctional protein deficiency. Identifiers: Orphanet 300, MedGen C0342870, MONDO:0009855, OMIM 261515. Disease mechanism: loss of function.
Inborn genetic diseases. Identifiers: MedGen C0950123, MeSH D030342.

Allele frequency attached by ClinVar (database versions not stated): gnomAD 0.00001; gnomAD exomes 0.00001; ExAC 0.00003.
gnomAD v4.1: 14 of 1,610,278 alleles (0.00087%); highest among the groups gnomAD compares: East Asian, 0.016%; no homozygotes.

Submissions (2):

Labcorp Genetics (formerly Invitae), Labcorp
Classification: Uncertain significance for Perrault syndrome; Bifunctional peroxisomal enzyme deficiency. Last evaluated: 2024-10-30. Review status: criteria provided, single submitter. Criteria: Invitae Variant Classification Sherloc (09022015). Collection method: clinical testing. Allele origin: germline.
Comment: This sequence change replaces tyrosine, which is neutral and polar, with cysteine, which is neutral and slightly polar, at codon 733 of the HSD17B4 protein (p.Tyr733Cys). This variant is present in population databases (rs758025692, gnomAD 0.05%). This variant has not been reported in the literature in individuals affected with HSD17B4-related conditions. ClinVar contains an entry for this variant (Variation ID: 3107136). Invitae Evidence Modeling of protein sequence and biophysical properties (such as structural, functional, and spatial information, amino acid conservation, physicochemical variation, residue mobility, and thermodynamic stability) indicates that this missense variant is not expected to disrupt HSD17B4 protein function with a negative predictive value of 95%. In summary, the available evidence is currently insufficient to determine the role of this variant in disease. Therefore, it has been classified as a Variant of Uncertain Significance.

Ambry Genetics
Classification: Uncertain significance for Inborn genetic diseases. Last evaluated: 2023-10-10. Review status: criteria provided, single submitter. Criteria: Ambry Variant Classification Scheme 2023. Collection method: clinical testing. Allele origin: germline.

NM_000414.4(HSD17B4):c.2198A>G (p.Tyr733Cys)

Gene: HSD17B4 (hydroxysteroid 17-beta dehydrogenase 4; plus strand). Cytogenetic location: 5q23.1.
Variant type: single nucleotide variant.
Coding change: c.2198A>G on transcript NM_000414.4 (MANE Select); coding-DNA position 2198, A replaced by G.
Protein change: p.Tyr733Cys; replaces tyrosine 733 with cysteine.
Molecular consequence: missense variant. On other transcripts: non-coding transcript variant (2).
Genome position (GRCh38, 1-based): chr5:119,541,981, A>G. VCF-style: chr5-119541981-A-G. GRCh37 (hg19) VCF-style: chr5-118877676-A-G.
Other names: c.2273A>G, p.Tyr758Cys (NM_001199291.3); c.2144A>G, p.Tyr715Cys (NM_001199292.2); c.2126A>G, p.Tyr709Cys (NM_001292027.2, NM_001374498.1); c.1778A>G, p.Tyr593Cys (NM_001292028.2); c.2189A>G, p.Tyr730Cys (NM_001374497.1); c.1871A>G, p.Tyr624Cys (NM_001374499.1); c.1757A>G, p.Tyr586Cys (NM_001374500.1); c.1787A>G, p.Tyr596Cys (NM_001374501.1, NM_001374502.1, NM_001374503.1); short protein forms Y596C, Y730C, Y758C, Y586C, Y624C, Y733C, Y593C, Y715C.
Identifiers: ClinVar variation 3107136 (VCV003107136.2), dbSNP rs758025692, ClinGen allele CA3382542.